The following is an entry in ClinVar:

ClinVar aggregate classification (germline): Uncertain significance. Review status: criteria provided, multiple submitters, no conflicts (2 of 4 stars). 2 submissions from 2 submitters: Uncertain significance (2). Last evaluated 2026-05-12.

Conditions:
FANCM-related disorder. Also called: FANCM-related condition.
Fanconi anemia (FA). Also called: Fanconi's anemia. Identifiers: Orphanet 84, MedGen C0015625, MeSH D005199, MONDO:0019391.

Allele frequency attached by ClinVar (database versions not stated): gnomAD exomes below 0.00001.
gnomAD v4.1: 2 of 1,614,202 alleles (0.00012%); highest among the groups gnomAD compares: Non-Finnish European, 0.000085%; no homozygotes.

Submissions (2):

PreventionGenetics, part of Exact Sciences
Classification: Uncertain significance for FANCM-related condition. Last evaluated: 2026-05-12. Review status: criteria provided, single submitter. Criteria: ACMG Guidelines, 2015. Collection method: clinical testing. Allele origin: germline.
Comment: The FANCM c.385T>C variant is predicted to result in the amino acid substitution p.Tyr129His. To our knowledge, this variant has not been reported in the literature. This variant is reported in 0.00088% of alleles in individuals of European (Non-Finnish) descent in gnomAD. At this time, the clinical significance of this variant is uncertain due to the absence of conclusive functional and genetic evidence.

Labcorp Genetics (formerly Invitae), Labcorp
Classification: Uncertain significance for Fanconi anemia. Last evaluated: 2022-03-31. Review status: criteria provided, single submitter. Criteria: Invitae Variant Classification Sherloc (09022015). Collection method: clinical testing. Allele origin: germline.
Comment: Algorithms developed to predict the effect of missense changes on protein structure and function are either unavailable or do not agree on the potential impact of this missense change (SIFT: "Tolerated"; PolyPhen-2: "Possibly Damaging"; Align-GVGD: "Class C0"). In summary, the available evidence is currently insufficient to determine the role of this variant in disease. Therefore, it has been classified as a Variant of Uncertain Significance. ClinVar contains an entry for this variant (Variation ID: 655085). This variant has not been reported in the literature in individuals affected with FANCM-related conditions. This variant is present in population databases (no rsID available, gnomAD 0.0009%). This sequence change replaces tyrosine, which is neutral and polar, with histidine, which is basic and polar, at codon 129 of the FANCM protein (p.Tyr129His).

NM_020937.4(FANCM):c.385T>C (p.Tyr129His)

Gene: FANCM (FA complementation group M; plus strand). Cytogenetic location: 14q21.2.
Variant type: single nucleotide variant.
Coding change: c.385T>C on transcript NM_020937.4 (MANE Select); coding-DNA position 385, T replaced by C.
Protein change: p.Tyr129His; replaces tyrosine 129 with histidine.
Molecular consequence: missense variant.
Genome position (GRCh38, 1-based): chr14:45,136,416, T>C. VCF-style: chr14-45136416-T-C. GRCh37 (hg19) VCF-style: chr14-45605619-T-C.
Other names: c.385T>C (NM_020937.3); c.385T>C, p.Tyr129His (NM_001308133.2, NM_001308134.2); short protein forms Y129H.
Identifiers: ClinVar variation 655085 (VCV000655085.9), dbSNP rs1360033335, ClinGen allele CA389588052.